The following is an entry in ClinVar:

ClinVar aggregate classification (germline): Benign (1 of 4 stars; one submission).

Allele frequency attached by ClinVar (database versions not stated): 1000 Genomes Project 30x 0.54513; 1000 Genomes Project 0.54673; TOPMed 0.56792; gnomAD 0.58173; gnomAD exomes 0.61260.
gnomAD v4.1: 424,384 of 701,260 alleles (61%); highest among the groups gnomAD compares: South Asian, 67%; 130,166 homozygotes.

Submission:

Unidad de Genómica Garrahan, Hospital de Pediatría Garrahan
Classification: Benign. Last evaluated: 2024-07-15. Review status: criteria provided, single submitter. Criteria: ACMG Guidelines, 2015. Collection method: clinical testing. Allele origin: germline. Affected: no. Observed: 56 variant alleles.
Comment: This variant is classified as Benign based on local population frequency. This variant was detected in 60% of patients studied in a panel designed for Epileptic and Developmental Encephalopathy and Progressive Myoclonus Epilepsy. Number of patients: 56. Only high quality variants are reported.

NM_016373.4(WWOX):c.1056+324116C>T

Gene: WWOX (WW domain containing oxidoreductase; plus strand). Cytogenetic location: 16q23.1.
Variant type: single nucleotide variant.
Coding change: c.1056+324116C>T on transcript NM_016373.4 (MANE Select); 324116 bases into the intron after coding-DNA position 1056, C replaced by T.
Molecular consequence: intron variant.
Genome position (GRCh38, 1-based): chr16:78,756,868, C>T. VCF-style: chr16-78756868-C-T. GRCh37 (hg19) VCF-style: chr16-78790765-C-T.
Other names: c.717+324116C>T (NM_001291997.2).
Identifiers: ClinVar variation 3255260 (VCV003255260.2), dbSNP rs7199110.